The following is an entry in ClinVar:

NM_000548.5(TSC2):c.5035G>C (p.Glu1679Gln)

Gene: TSC2 (TSC complex subunit 2; plus strand). Cytogenetic location: 16p13.3.
Variant type: single nucleotide variant.
Coding change: c.5035G>C on transcript NM_000548.5 (MANE Select); coding-DNA position 5035, G replaced by C.
Protein change: p.Glu1679Gln; replaces glutamic acid 1679 with glutamine.
Molecular consequence: missense variant.
Genome position (GRCh38, 1-based): chr16:2,087,908, G>C. VCF-style: chr16-2087908-G-C. GRCh37 (hg19) VCF-style: chr16-2137909-G-C.
Other names: c.4834G>C, p.Glu1612Gln (NM_001077183.3); c.4966G>C, p.Glu1656Gln (NM_001114382.3); c.4726G>C, p.Glu1576Gln (NM_001318827.2); c.4690G>C, p.Glu1564Gln (NM_001318829.2); c.4303G>C, p.Glu1435Gln (NM_001318831.2); c.4867G>C, p.Glu1623Gln (NM_001318832.2); c.4837G>C, p.Glu1613Gln (NM_001363528.2); c.4903G>C, p.Glu1635Gln (NM_001370404.1); and 1 more; short protein forms E1576Q, E1435Q, E1564Q, E1612Q, E1635Q, E1623Q, E1613Q, E1636Q.
Identifiers: ClinVar variation 1438216 (VCV001438216.9), dbSNP rs370404391, ClinGen allele CA394311355.
Genomic context (GRCh38, chr16:2,087,908, plus strand): 5'-CTCTTGTCCGGGCAGGGCCAGTTCAACTTTGTCCACGTGATCGTCACCCCGCTGGACTAC[G>C]AGTGCAACCTGGTGTCCCTGCAGTGCAGGAAAGGTAGGGCCGGGTGGGGCCCTGCAGTGC-3'
Protein context (NP_000539.2, residues 1669-1689): VHVIVTPLDY[Glu1679Gln]CNLVSLQCRK

ClinVar aggregate classification (germline): Conflicting classifications of pathogenicity. Review status: criteria provided, conflicting classifications (1 of 4 stars). 2 submissions from 2 submitters: Uncertain significance (1); Benign (1). Last evaluated 2024-08-28.

Conditions:
Hereditary cancer-predisposing syndrome. Also called: Neoplastic Syndromes, Hereditary; Hereditary Cancer Syndrome; Tumor predisposition; Hereditary neoplastic syndrome. Identifiers: Orphanet 140162, MedGen C0027672, MeSH D009386, MONDO:0015356.
Tuberous sclerosis 2 (TSC2). Identifiers: Orphanet 805, MedGen C1860707, MONDO:0013199, OMIM 613254.

gnomAD v4.1: 2 of 1,612,880 alleles (0.00012%); highest among the groups gnomAD compares: Non-Finnish European, 0.00017%; no homozygotes.

Submissions (2):

Ambry Genetics
Classification: Uncertain significance for Hereditary cancer-predisposing syndrome. Last evaluated: 2024-08-28. Review status: criteria provided, single submitter. Criteria: Ambry Variant Classification Scheme 2023. Collection method: clinical testing. Allele origin: germline.
Comment: The p.E1679Q variant (also known as c.5035G>C), located in coding exon 38 of the TSC2 gene, results from a G to C substitution at nucleotide position 5035. The glutamic acid at codon 1679 is replaced by glutamine, an amino acid with highly similar properties. This amino acid position is not well conserved in available vertebrate species. In addition, the in silico prediction for this alteration is inconclusive. Based on the available evidence, the clinical significance of this variant remains unclear.

Labcorp Genetics (formerly Invitae), Labcorp
Classification: Benign for Tuberous sclerosis 2. Last evaluated: 2024-03-13. Review status: criteria provided, single submitter. Criteria: Invitae Variant Classification Sherloc (09022015). Collection method: clinical testing. Allele origin: germline.